The following is an entry in ClinVar:

ClinVar aggregate classification (germline): Uncertain significance (1 of 4 stars; one submission).

gnomAD v4.1: 1 of 1,603,982 alleles (0.000062%); highest among the groups gnomAD compares: Non-Finnish European, 0.000085%; no homozygotes.

Submission:

Labcorp Genetics (formerly Invitae), Labcorp
Classification: Uncertain significance. Last evaluated: 2021-08-31. Review status: criteria provided, single submitter. Criteria: Invitae Variant Classification Sherloc (09022015). Collection method: clinical testing. Allele origin: germline.
Comment: This sequence change replaces threonine with asparagine at codon 818 of the MYSM1 protein (p.Thr818Asn). The threonine residue is weakly conserved and there is a small physicochemical difference between threonine and asparagine. This variant is not present in population databases (ExAC no frequency). This variant has not been reported in the literature in individuals affected with MYSM1-related conditions. Algorithms developed to predict the effect of missense changes on protein structure and function (SIFT, PolyPhen-2, Align-GVGD) all suggest that this variant is likely to be tolerated. In summary, the available evidence is currently insufficient to determine the role of this variant in disease. Therefore, it has been classified as a Variant of Uncertain Significance.

NM_001085487.3(MYSM1):c.2453C>A (p.Thr818Asn)

Gene: MYSM1 (Myb like, SWIRM and MPN domains 1; minus strand). Cytogenetic location: 1p32.1.
Variant type: single nucleotide variant.
Coding change: c.2453C>A on transcript NM_001085487.3 (MANE Select); coding-DNA position 2453, C replaced by A.
Protein change: p.Thr818Asn; replaces threonine 818 with asparagine.
Molecular consequence: missense variant.
Genome position (GRCh38, 1-based): chr1:58,660,031, G>T on the plus strand (C>A on the coding strand, the complement: MYSM1 is on the minus strand). VCF-style: chr1-58660031-G-T. GRCh37 (hg19) VCF-style: chr1-59125703-G-T.
Other names: short protein forms T818N.
Identifiers: ClinVar variation 1520469 (VCV001520469.5), dbSNP rs776072126, ClinGen allele CA340517446.
Genomic context (GRCh38, chr1:58,660,031, plus strand): 5'-ATTAAAATGTCTTAACTTTAAAATAATCACATTAACAATTCCTTTGTACAGTTCTCTTCG[G>T]TTACTCCATTCTCTTGGTTGCTTTTATAATTGGAAAGGAACAAATTTTCTATTTCAGTCA-3'
Protein context (NP_001078956.1, residues 808-828): NYKSNQENGV[Thr818Asn]EENCTKELLM